The following is an entry in ClinVar:

NM_000069.3(CACNA1S):c.2854-13T>C

Gene: CACNA1S (calcium voltage-gated channel subunit alpha1 S; minus strand). Cytogenetic location: 1q32.1.
Variant type: single nucleotide variant.
Coding change: c.2854-13T>C on transcript NM_000069.3 (MANE Select); 13 bases into the intron before coding-DNA position 2854, T replaced by C.
Molecular consequence: intron variant.
Genome position (GRCh38, 1-based): chr1:201,062,527, A>G on the plus strand (T>C on the coding strand, the complement: CACNA1S is on the minus strand). VCF-style: chr1-201062527-A-G. GRCh37 (hg19) VCF-style: chr1-201031655-A-G.
Identifiers: ClinVar variation 3069990 (VCV003069990.2), dbSNP rs777736682, ClinGen allele CA36008473.

ClinVar aggregate classification (germline): Likely benign. Review status: criteria provided, multiple submitters, no conflicts (2 of 4 stars). 2 submissions from 2 submitters: Likely benign (2). Last evaluated 2025-09-27.

Conditions:
Malignant hyperthermia, susceptibility to, 5 (MHS5). Also called: CACNA1S-Related Malignant Hyperthermia Susceptibility. Identifiers: Orphanet 423, MedGen C1866077, MONDO:0011163, OMIM 601887.
Hypokalemic periodic paralysis, type 1. Also called: Hypokalemic Periodic Paralysis Type 1 (AD); HypoPP. Identifiers: Orphanet 681, MedGen C3714580, MONDO:0042979, OMIM 170400.

Allele frequency attached by ClinVar (database versions not stated): gnomAD 0.00001.
gnomAD v4.1: 3 of 1,157,560 alleles (0.00026%); highest among the groups gnomAD compares: Admixed American, 0.0018%; no homozygotes.

Submissions (2):

Labcorp Genetics (formerly Invitae), Labcorp
Classification: Likely benign for Hypokalemic periodic paralysis, type 1; Malignant hyperthermia, susceptibility to, 5. Last evaluated: 2025-09-27. Review status: criteria provided, single submitter. Criteria: Invitae Variant Classification Sherloc (09022015). Collection method: clinical testing. Allele origin: germline.

All of Us Research Program, National Institutes of Health
Classification: Likely benign for Malignant hyperthermia, susceptibility to, 5. Last evaluated: 2023-03-23. Review status: criteria provided, single submitter. Criteria: ACMG Guidelines, 2015. Collection method: clinical testing. Allele origin: germline. Inheritance: Autosomal dominant inheritance. Observed: 1 variant allele, 1 heterozygote.
Comment: This study involves interpretation of variants in research participants for the purpose of population health screening. Participant phenotype was not available at the time of variant classification. Additional details can be found in publication PMID: 35346344, PMCID: PMC8962531